The following is an entry in ClinVar:

ClinVar aggregate classification (germline): Pathogenic (1 of 4 stars; one submission).

Submission:

Labcorp Genetics (formerly Invitae), Labcorp
Classification: Pathogenic. Last evaluated: 2024-07-24. Review status: criteria provided, single submitter. Criteria: Invitae Variant Classification Sherloc (09022015). Collection method: clinical testing. Allele origin: germline.
Comment: This sequence change creates a premature translational stop signal (p.Gly317Alafs*40) in the SOX10 gene. While this is not anticipated to result in nonsense mediated decay, it is expected to disrupt the last 150 amino acid(s) of the SOX10 protein. This variant is not present in population databases (gnomAD no frequency). This variant has not been reported in the literature in individuals affected with SOX10-related conditions. This variant disrupts a region of the SOX10 protein in which other variant(s) (p.Gln399Valfs*2) have been determined to be pathogenic (PMID: 23237859). This suggests that this is a clinically significant region of the protein, and that variants that disrupt it are likely to be disease-causing. For these reasons, this variant has been classified as Pathogenic.

Literature cited by the submitters: PubMed 23237859.

NM_006941.4(SOX10):c.948del (p.Gly317fs)

Genes: POLR2F (RNA polymerase II, I and III subunit F; plus strand), SOX10 (SRY-box transcription factor 10; minus strand). Cytogenetic location: 22q13.1.
Variant type: Deletion.
Coding change: c.948del on transcript NM_006941.4 (MANE Select); coding-DNA position 948, one base deleted (C; older notation c.948delC).
Protein change: p.Gly317fs; shifts the reading frame from glycine 317.
Molecular consequence: frameshift variant. On other transcripts: intron variant (3).
Genome position (GRCh38, 1-based): chr22:37,973,948, G deleted on the plus strand (C on the coding strand, the reverse complement: SOX10 is on the minus strand); the first of 2 consecutive G bases (chr22:37,973,948-37,973,949); deleting either gives the same sequence. VCF-style (leftmost placement, unchanged base first): chr22-37973947-CG-C. GRCh37 (hg19) VCF-style: chr22-38369954-CG-C.
Other names: c.*38+1639del (NM_001363825.1); c.293+6779del (NM_001301130.2, NM_001301131.2); short protein forms G317fs.
Identifiers: ClinVar variation 3659934 (VCV003659934.2).